The following is an entry in ClinVar:

NM_173076.3(ABCA12):c.*485T>C

Genes: ABCA12 (ATP binding cassette subfamily A member 12; minus strand), SNHG31 (small nucleolar RNA host gene 31; plus strand). Cytogenetic location: 2q35.
Variant type: single nucleotide variant.
Coding change: c.*485T>C on transcript NM_173076.3 (MANE Select); 485 bases downstream of the stop codon, T replaced by C.
Molecular consequence: 3 prime UTR variant. On other transcripts: non-coding transcript variant (1).
Genome position (GRCh38, 1-based): chr2:214,932,149, A>G on the plus strand (T>C on the coding strand, the complement: ABCA12 is on the minus strand). VCF-style: chr2-214932149-A-G. GRCh37 (hg19) VCF-style: chr2-215796873-A-G.
Other names: c.*485T>C (NM_015657.4).
Identifiers: ClinVar variation 334214 (VCV000334214.5), dbSNP rs77729645, ClinGen allele CA10612384.

ClinVar aggregate classification (germline): Benign (1 of 4 stars; one submission).

Conditions:
Congenital ichthyosis of skin. Identifiers: MedGen C0020758.

Allele frequency attached by ClinVar (database versions not stated): gnomAD exomes 0.00073; gnomAD 0.01493 and 0.01607; 1000 Genomes Project 0.01637; TOPMed 0.01661; 1000 Genomes Project 30x 0.01843.
gnomAD v4.1: 2,299 of 201,578 alleles (1.1%); highest among the groups gnomAD compares: African/African-American, 5%; 50 homozygotes.

Submission:

Illumina Laboratory Services, Illumina
Classification: Benign for Congenital ichthyosis of skin. Last evaluated: 2018-01-12. Review status: criteria provided, single submitter. Criteria: ICSL Variant Classification Criteria 13 December 2019. Collection method: clinical testing. Allele origin: germline.
Comment: This variant was observed in the ICSL laboratory as part of a predisposition screen in an ostensibly healthy population. It had not been previously curated by ICSL or reported in the Human Gene Mutation Database (HGMD: prior to June 1st, 2018), and was therefore a candidate for classification through an automated scoring system. Utilizing variant allele frequency, disease prevalence and penetrance estimates, and inheritance mode, an automated score was calculated to assess if this variant is too frequent to cause the disease. Based on the score and internal cut-off values, a variant classified as benign is not then subjected to further curation. The score for this variant resulted in a classification of benign for this disease.